The following is an entry in ClinVar:

NM_001277313.2(FMN1):c.2531C>A (p.Pro844Gln)

Gene: FMN1 (formin 1; minus strand). Cytogenetic location: 15q13.3.
Variant type: single nucleotide variant.
Coding change: c.2531C>A on transcript NM_001277313.2 (MANE Select); coding-DNA position 2531, C replaced by A.
Protein change: p.Pro844Gln; replaces proline 844 with glutamine.
Molecular consequence: missense variant.
Genome position (GRCh38, 1-based): chr15:32,969,170, G>T on the plus strand (C>A on the coding strand, the complement: FMN1 is on the minus strand). VCF-style: chr15-32969170-G-T. GRCh37 (hg19) VCF-style: chr15-33261371-G-T.
Other names: c.1862C>A, p.Pro621Gln (NM_001103184.4); short protein forms P621Q, P844Q.
Identifiers: ClinVar variation 1939764 (VCV001939764.5), dbSNP rs776121623, ClinGen allele CA391564149.
Genomic context (GRCh38, chr15:32,969,170, plus strand): 5'-TGATTTGATGCCATGCCCTCCATTGGCTGGAGTGCTGCATGGATGTCTTTGTGGTCATTT[G>T]GGGGTGAGAGCTGGCTTAAAGAGGAGATATTCAGCTTTTTGGGTACTAATTGATTACTTC-3'
Protein context (NP_001264242.1, residues 834-854): NISSLSQLSP[Pro844Gln]NDHKDIHAAL

ClinVar aggregate classification (germline): Uncertain significance (1 of 4 stars; one submission).

Submission:

Labcorp Genetics (formerly Invitae), Labcorp
Classification: Uncertain significance. Last evaluated: 2025-09-02. Review status: criteria provided, single submitter. Criteria: Invitae Variant Classification Sherloc (09022015). Collection method: clinical testing. Allele origin: germline.
Comment: This sequence change replaces proline, which is neutral and non-polar, with glutamine, which is neutral and polar, at codon 621 of the FMN1 protein (p.Pro621Gln). This variant is not present in population databases (gnomAD no frequency). This variant has not been reported in the literature in individuals affected with FMN1-related conditions. ClinVar contains an entry for this variant (Variation ID: 1939764). An algorithm developed to predict the effect of missense changes on protein structure and function outputs the following: PolyPhen-2: "Not Available". The glutamine amino acid residue is found in multiple mammalian species, which suggests that this missense change does not adversely affect protein function. In summary, the available evidence is currently insufficient to determine the role of this variant in disease. Therefore, it has been classified as a Variant of Uncertain Significance.